The following is an entry in ClinVar:

NM_000278.5(PAX2):c.393C>G (p.Ser131Arg)

Gene: PAX2 (paired box 2; plus strand). Cytogenetic location: 10q24.31.
Variant type: single nucleotide variant.
Coding change: c.393C>G on transcript NM_000278.5 (MANE Select); coding-DNA position 393, C replaced by G.
Protein change: p.Ser131Arg; replaces serine 131 with arginine.
Molecular consequence: missense variant.
Genome position (GRCh38, 1-based): chr10:100,750,874, C>G. VCF-style: chr10-100750874-C-G. GRCh37 (hg19) VCF-style: chr10-102510631-C-G.
Other names: c.486C>G, p.Ser162Arg (NM_001304569.2); c.393C>G, p.Ser131Arg (NM_003987.5, NM_003988.5, NM_003989.5 and 1 more transcripts); short protein forms S131R, S162R.
Identifiers: ClinVar variation 3235236 (VCV003235236.1), dbSNP rs894114496.

ClinVar aggregate classification (germline): Uncertain significance (1 of 4 stars; one submission).

Conditions:
Focal segmental glomerulosclerosis 7 (FSGS7). Identifiers: Orphanet 656, MedGen C4014925, MONDO:0014451, OMIM 616002.

Submission:

MVZ Medizinische Genetik Mainz
Classification: Uncertain significance for Focal segmental glomerulosclerosis 7. Last evaluated: 2023-07-20. Review status: criteria provided, single submitter. Criteria: UK Practice Guidelines For Variant Classification V4 01 2020. Collection method: clinical testing. Allele origin: germline. Inheritance: Autosomal dominant inheritance. Affected: yes. Observed: 1 variant allele.
Comment: ACMG Criteria: PM1, PM2_SUP, PP3 (ACMG Version 3)